The following is an entry in ClinVar:

NM_022051.3(EGLN1):c.611A>T (p.Lys204Met)

Gene: EGLN1 (egl-9 family hypoxia inducible factor 1; minus strand). Cytogenetic location: 1q42.2.
Variant type: single nucleotide variant.
Coding change: c.611A>T on transcript NM_022051.3 (MANE Select); coding-DNA position 611, A replaced by T.
Protein change: p.Lys204Met; replaces lysine 204 with methionine.
Molecular consequence: missense variant.
Genome position (GRCh38, 1-based): chr1:231,421,278, T>A on the plus strand (A>T on the coding strand, the complement: EGLN1 is on the minus strand). VCF-style: chr1-231421278-T-A. GRCh37 (hg19) VCF-style: chr1-231557024-T-A.
Other names: c.611A>T, p.Lys204Met (NM_001377260.1, NM_001377261.1); short protein forms K204M.
Identifiers: ClinVar variation 1751712 (VCV001751712.3), dbSNP rs2527359305, ClinGen allele CA345236308.

ClinVar aggregate classification (germline): Uncertain significance (1 of 4 stars; one submission).

Allele frequency attached by ClinVar (database versions not stated): gnomAD exomes below 0.00001.
gnomAD v4.1: 1 of 1,613,546 alleles (0.000062%); highest among the groups gnomAD compares: Non-Finnish European, 0.000085%; no homozygotes.

Submission:

Ambry Genetics
Classification: Uncertain significance. Last evaluated: 2023-09-10. Review status: criteria provided, single submitter. Criteria: Ambry Variant Classification Scheme 2023. Collection method: clinical testing. Allele origin: germline.
Comment: The p.K204M variant (also known as c.611A>T), located in coding exon 1 of the EGLN1 gene, results from an A to T substitution at nucleotide position 611. The lysine at codon 204 is replaced by methionine, an amino acid with similar properties. This amino acid position is conserved. In addition, this alteration is predicted to be tolerated by in silico analysis. Since supporting evidence is limited at this time, the clinical significance of this alteration remains unclear.